The following is an entry in ClinVar:

ClinVar aggregate classification (germline): Uncertain significance (1 of 4 stars; one submission).

Conditions:
SCAPER-related disorder. Also called: SCAPER-related condition.

Submission:

PreventionGenetics, part of Exact Sciences
Classification: Uncertain significance for SCAPER-related condition. Last evaluated: 2025-09-24. Review status: criteria provided, single submitter. Criteria: ACMG Guidelines, 2015. Collection method: clinical testing. Allele origin: germline.
Comment: The SCAPER c.2972+5G>A variant is predicted to interfere with splicing. To our knowledge, this variant has not been reported in the literature or in a large population database (gnomAD), indicating this variant is rare. At this time, the clinical significance of this variant is uncertain due to the absence of conclusive functional and genetic evidence.

NM_020843.4(SCAPER):c.2954+5G>A

Gene: SCAPER (S-phase cyclin A associated protein in the ER; minus strand). Cytogenetic location: 15q24.3.
Variant type: single nucleotide variant.
Coding change: c.2954+5G>A on transcript NM_020843.4 (MANE Select); 5 bases into the intron after coding-DNA position 2954, G replaced by A.
Molecular consequence: intron variant.
Genome position (GRCh38, 1-based): chr15:76,504,854, C>T on the plus strand (G>A on the coding strand, the complement: SCAPER is on the minus strand). VCF-style: chr15-76504854-C-T. GRCh37 (hg19) VCF-style: chr15-76797195-C-T.
Other names: c.2570+5G>A (NM_001353011.2); c.2552+5G>A (NM_001353012.2, NM_001353010.2); c.2972+5G>A (NM_001353009.2); c.2216+5G>A (NM_001145923.2).
Identifiers: ClinVar variation 4991194 (VCV004991194.1).